The following is an entry in ClinVar:

NM_138694.4(PKHD1):c.7084C>T (p.Gln2362Ter)

Gene: PKHD1 (PKHD1 ciliary IPT domain containing fibrocystin/polyductin; minus strand). Cytogenetic location: 6p12.2.
Variant type: single nucleotide variant.
Coding change: c.7084C>T on transcript NM_138694.4 (MANE Select); coding-DNA position 7084, C replaced by T.
Protein change: p.Gln2362Ter; replaces glutamine 2362 with a stop codon.
Molecular consequence: nonsense.
Genome position (GRCh38, 1-based): chr6:51,887,158, G>A on the plus strand (C>T on the coding strand, the complement: PKHD1 is on the minus strand). VCF-style: chr6-51887158-G-A. GRCh37 (hg19) VCF-style: chr6-51751956-G-A.
Other names: c.7084C>T, p.Gln2362Ter (NM_170724.3); short protein forms Q2362*.
Identifiers: ClinVar variation 370085 (VCV000370085.5), dbSNP rs1057516221, ClinGen allele CA16041044.
Genomic context (GRCh38, chr6:51,887,158, plus strand): 5'-ACAGCCAAAACATAGATGAATTTCCCCAAAGTTACCTGGTACAAGAATGTGCAATGTTCT[G>A]AGTGAAGGAAAGAAGCGGAGCTTGTGATGTTTGGTTGGTCATGAGATGGAAAAAGTAGCC-3'

ClinVar aggregate classification (germline): Likely pathogenic. Review status: criteria provided, multiple submitters, no conflicts (2 of 4 stars). 3 submissions from 3 submitters: Likely pathogenic (2). 1 of the submissions does not count toward it. Last evaluated 2026-01-10.

Conditions:
Polycystic kidney disease 4 (PKD4). Also called: POLYCYSTIC KIDNEY AND HEPATIC DISEASE 1; POLYCYSTIC KIDNEY DISEASE, INFANTILE, TYPE I; POLYCYSTIC KIDNEY DISEASE 4 WITH OR WITHOUT POLYCYSTIC LIVER DISEASE; PKD3; Autosomal Recessive Polycystic Kidney Disease – PKHD1. Identifiers: MedGen C4540575, MONDO:0033004, OMIM 263200.
Autosomal recessive polycystic kidney disease (ARPKD). Also called: AR polycystic kidney disease. Identifiers: Orphanet 731, Orphanet 8378, MedGen C0085548, MeSH D017044, MONDO:0009889.

Submissions (3):

Natera, Inc.
Classification: Likely pathogenic for Autosomal recessive polycystic kidney disease. Last evaluated: 2026-01-10. Review status: criteria provided, single submitter. Criteria: Natera Variant Classification Schema (03/2026). Collection method: clinical testing. Allele origin: germline.
Comment: The c.7084C>T variant in PKHD1 is a nonsense variant predicted to introduce a stop codon at amino acid 2362. This variant is expected to result in nonsense mediated decay, truncation, or a dysfunctional protein product. This variant is rare in the general population with a frequency below the threshold expected for the associated phenotype(s). Given the available evidence, this variant is classified as Likely Pathogenic.

Baylor Genetics
Classification: Likely pathogenic for Polycystic kidney disease 4. Last evaluated: 2022-09-13. Review status: criteria provided, single submitter. Criteria: ACMG Guidelines, 2015. Collection method: clinical testing. Allele origin: unknown.

Counsyl
Classification: Likely pathogenic for Polycystic kidney disease 4. Last evaluated: 2015-11-19. Review status: no assertion criteria provided. Collection method: clinical testing. Allele origin: unknown. Not counted in ClinVar's aggregate classification.